The following is an entry in ClinVar:

NM_201384.3(PLEC):c.8166T>A (p.Ser2722Arg)

Gene: PLEC (plectin; minus strand). Cytogenetic location: 8q24.3.
Variant type: single nucleotide variant.
Coding change: c.8166T>A on transcript NM_201384.3 (MANE Select); coding-DNA position 8166, T replaced by A.
Protein change: p.Ser2722Arg; replaces serine 2722 with arginine.
Molecular consequence: missense variant.
Genome position (GRCh38, 1-based): chr8:143,921,655, A>T on the plus strand (T>A on the coding strand, the complement: PLEC is on the minus strand). VCF-style: chr8-143921655-A-T. GRCh37 (hg19) VCF-style: chr8-144995823-A-T.
Other names: c.8247T>A, p.Ser2749Arg (NM_000445.5); c.4866T>A, p.Ser1622Arg (NM_001410941.1); c.8124T>A, p.Ser2708Arg (NM_201378.4); c.8100T>A, p.Ser2700Arg (NM_201379.3); c.8577T>A, p.Ser2859Arg (NM_201380.4); c.8070T>A, p.Ser2690Arg (NM_201381.3); c.8166T>A, p.Ser2722Arg (NM_201382.4); c.8178T>A, p.Ser2726Arg (NM_201383.3); short protein forms S1622R, S2690R, S2700R, S2708R, S2722R, S2726R, S2749R, S2859R.
Identifiers: ClinVar variation 2435036 (VCV002435036.6), dbSNP rs2537495811, ClinGen allele CA372518837.
Genomic context (GRCh38, chr8:143,921,655, plus strand): 5'-AGGGTCCAGCAGGAAGCCTGAGGCCGCCTGCGCCTCCAGCAGGATGAGGGCCGTGCCGGG[A>T]CTCAGCAGCTGCCTCTGCAGGGCGGCGTAAACACTCAGCTTCTCATTGGTGGCCTTCAGC-3'
Protein context (NP_958786.1, residues 2712-2732): VYAALQRQLL[Ser2722Arg]PGTALILLEA

ClinVar aggregate classification (germline): Uncertain significance. Review status: criteria provided, multiple submitters, no conflicts (2 of 4 stars). 2 submissions from 2 submitters: Uncertain significance (2). Last evaluated 2023-10-14.

Conditions:
Epidermolysis bullosa simplex 5B, with muscular dystrophy (EBS5B). Also called: EPIDERMOLYSIS BULLOSA SIMPLEX AND LIMB-GIRDLE MUSCULAR DYSTROPHY; Epidermolysis bullosa simplex with muscular dystrophy. Identifiers: Orphanet 257, MedGen C2931072, MONDO:0009181, OMIM 226670.
Epidermolysis bullosa simplex with nail dystrophy (EBS5D). Identifiers: MedGen C4225309, MONDO:0014661, OMIM 616487.
Epidermolysis bullosa simplex 5C, with pyloric atresia (EBS5C). Also called: PLEC-Related Epidermolysis Bullosa with Pyloric Atresia; Epidermolysis bullosa simplex with pyloric atresia; PLEC1-Related Epidermolysis Bullosa with Pyloric Atresia. Identifiers: Orphanet 158684, MedGen C2677349, MONDO:0012807, OMIM 612138.
Autosomal recessive limb-girdle muscular dystrophy type 2Q (LGMDR17). Also called: MUSCULAR DYSTROPHY, LIMB-GIRDLE, AUTOSOMAL RECESSIVE 17. Identifiers: Orphanet 254361, MedGen C3150989, MONDO:0013390, OMIM 613723.
Epidermolysis bullosa simplex, Ogna type (EBS5A). Also called: EPIDERMOLYSIS BULLOSA SIMPLEX 5A, OGNA TYPE; Pidermolysis bullosa simplex 5A, Ogna type. Identifiers: Orphanet 79401, MedGen C0432317, MONDO:0007555, OMIM 131950.

Submissions (2):

Labcorp Genetics (formerly Invitae), Labcorp
Classification: Uncertain significance for Autosomal recessive limb-girdle muscular dystrophy type 2Q; Epidermolysis bullosa simplex, Ogna type; Epidermolysis bullosa simplex with nail dystrophy; Epidermolysis bullosa simplex 5C, with pyloric atresia; Epidermolysis bullosa simplex 5B, with muscular dystrophy. Last evaluated: 2023-10-14. Review status: criteria provided, single submitter. Criteria: Invitae Variant Classification Sherloc (09022015). Collection method: clinical testing. Allele origin: germline.
Comment: This sequence change replaces serine, which is neutral and polar, with arginine, which is basic and polar, at codon 2749 of the PLEC protein (p.Ser2749Arg). This variant is not present in population databases (gnomAD no frequency). This variant has not been reported in the literature in individuals affected with PLEC-related conditions. ClinVar contains an entry for this variant (Variation ID: 2435036). An algorithm developed to predict the effect of missense changes on protein structure and function (PolyPhen-2) suggests that this variant is likely to be tolerated. In summary, the available evidence is currently insufficient to determine the role of this variant in disease. Therefore, it has been classified as a Variant of Uncertain Significance.

Revvity Omics, Revvity
Classification: Uncertain significance. Last evaluated: 2020-09-24. Review status: criteria provided, single submitter. Criteria: ACMG Guidelines, 2015. Collection method: clinical testing. Allele origin: germline.